The following is an entry in ClinVar:

NM_005751.5(AKAP9):c.5048C>G (p.Thr1683Arg)

Genes: AKAP9 (A-kinase anchoring protein 9; plus strand), LOC121175350 (Sharpr-MPRA regulatory region 2641; plus strand). Cytogenetic location: 7q21.2.
Variant type: single nucleotide variant.
Coding change: c.5048C>G on transcript NM_005751.5 (MANE Select); coding-DNA position 5048, C replaced by G.
Protein change: p.Thr1683Arg; replaces threonine 1683 with arginine.
Molecular consequence: missense variant.
Genome position (GRCh38, 1-based): chr7:92,042,176, C>G. VCF-style: chr7-92042176-C-G. GRCh37 (hg19) VCF-style: chr7-91671490-C-G.
Other names: c.5048C>G, p.Thr1683Arg (NM_147185.3); short protein forms T1683R.
Identifiers: ClinVar variation 1401307 (VCV001401307.8), dbSNP rs146305558, ClinGen allele CA368130167.

ClinVar aggregate classification (germline): Uncertain significance (1 of 4 stars; one submission).

Conditions:
Long QT syndrome (LQTS). Identifiers: MedGen C0023976, MeSH D008133, MONDO:0002442. Disease mechanism: loss of function. Inheritance: Various modes of inheritance.

Submission:

Labcorp Genetics (formerly Invitae), Labcorp
Classification: Uncertain significance for Long QT syndrome. Last evaluated: 2022-11-22. Review status: criteria provided, single submitter. Criteria: Invitae Variant Classification Sherloc (09022015). Collection method: clinical testing. Allele origin: germline.
Comment: In summary, the available evidence is currently insufficient to determine the role of this variant in disease. Therefore, it has been classified as a Variant of Uncertain Significance. Algorithms developed to predict the effect of sequence changes on RNA splicing suggest that this variant may disrupt the consensus splice site. Algorithms developed to predict the effect of missense changes on protein structure and function are either unavailable or do not agree on the potential impact of this missense change (SIFT: "Deleterious"; PolyPhen-2: "Probably Damaging"; Align-GVGD: "Class C0"). This sequence change replaces threonine, which is neutral and polar, with arginine, which is basic and polar, at codon 1683 of the AKAP9 protein (p.Thr1683Arg). This variant is present in population databases (no rsID available, gnomAD 0.007%). This variant has not been reported in the literature in individuals affected with AKAP9-related conditions. ClinVar contains an entry for this variant (Variation ID: 1401307).